The following is an entry in ClinVar:

ClinVar aggregate classification (germline): Pathogenic. Review status: criteria provided, multiple submitters, no conflicts (2 of 4 stars). 2 submissions from 2 submitters: Pathogenic (2). Last evaluated 2024-06-02.

Conditions:
PURA-related severe neonatal hypotonia-seizures-encephalopathy syndrome (NEDRIHF). Also called: PURA-Related Neurodevelopmental Disorders; NEURODEVELOPMENTAL DISORDER WITH NEONATAL RESPIRATORY INSUFFICIENCY, HYPOTONIA, AND FEEDING DIFFICULTIES. Identifiers: Orphanet 438213, Orphanet 438216, MedGen C4015357, MONDO:1060108, OMIM 616158, MONDO:0018580.

Submissions (2):

Labcorp Genetics (formerly Invitae), Labcorp
Classification: Pathogenic for PURA-related severe neonatal hypotonia-seizures-encephalopathy syndrome. Last evaluated: 2024-06-02. Review status: criteria provided, single submitter. Criteria: Invitae Variant Classification Sherloc (09022015). Collection method: clinical testing. Allele origin: germline.
Comment: This sequence change creates a premature translational stop signal (p.Lys229*) in the PURA gene. While this is not anticipated to result in nonsense mediated decay, it is expected to disrupt the last 94 amino acid(s) of the PURA protein. This variant is not present in population databases (gnomAD no frequency). This premature translational stop signal has been observed in individual(s) with clinical features of PURA syndrome (PMID: 29097605). ClinVar contains an entry for this variant (Variation ID: 392795). This variant disrupts a region of the PURA protein in which other variant(s) (p.Thr310Asnfs*7) have been determined to be pathogenic (Invitae). This suggests that this is a clinically significant region of the protein, and that variants that disrupt it are likely to be disease-causing. For these reasons, this variant has been classified as Pathogenic.

GeneDx
Classification: Pathogenic. Last evaluated: 2017-01-05. Review status: criteria provided, single submitter. Criteria: GeneDx Variant Classification (06012015). Collection method: clinical testing. Allele origin: germline. Affected: yes.
Comment: The K229X variant in the PURA gene has not been reported previously as a pathogenic variant nor as a benign variant, to our knowledge. This variant is predicted to cause loss of normal protein function through protein truncation with the loss of the final 94 amino acid residues. The K229X variant was not observed in approximately 6500 individuals of European and African American ancestry in the NHLBI Exome Sequencing Project, indicating it is not a common benign variant in these populations. We interpret K229X as a pathogenic variant.

Literature cited by the submitters: PubMed 29097605 (cited by Labcorp Genetics (formerly Invitae), Labcorp).

NM_005859.5(PURA):c.685A>T (p.Lys229Ter)

Gene: PURA (purine rich element binding protein A; plus strand). Cytogenetic location: 5q31.3.
Variant type: single nucleotide variant.
Coding change: c.685A>T on transcript NM_005859.5 (MANE Select); coding-DNA position 685, A replaced by T.
Protein change: p.Lys229Ter; replaces lysine 229 with a stop codon.
Molecular consequence: nonsense.
Genome position (GRCh38, 1-based): chr5:140,114,866, A>T. VCF-style: chr5-140114866-A-T. GRCh37 (hg19) VCF-style: chr5-139494451-A-T.
Other names: short protein forms K229*.
Identifiers: ClinVar variation 392795 (VCV000392795.4), dbSNP rs1057524637, ClinGen allele CA16604707.